The following is an entry in ClinVar:

ClinVar aggregate classification (germline): Uncertain significance. Review status: criteria provided, multiple submitters, no conflicts (2 of 4 stars). 2 submissions from 2 submitters: Uncertain significance (2). Last evaluated 2025-01-15.

Submissions (2):

GeneDx
Classification: Uncertain significance. Last evaluated: 2025-01-15. Review status: criteria provided, single submitter. Criteria: GeneDx Variant Classification Process June 2021. Collection method: clinical testing. Allele origin: germline. Affected: yes.
Comment: Has not been previously published as pathogenic or benign to our knowledge; Frameshift variant predicted to result in protein truncation or nonsense mediated decay in a gene for which loss-of-function is not an established mechanism of disease

Blueprint Genetics
Classification: Uncertain significance. Last evaluated: 2020-12-29. Review status: criteria provided, single submitter. Criteria: ACMG Guidelines, 2015. Collection method: clinical testing. Allele origin: germline.

NM_024580.6(EFL1):c.1396del (p.Gln466fs)

Gene: EFL1 (elongation factor like GTPase 1; minus strand). Cytogenetic location: 15q25.2.
Variant type: Deletion.
Coding change: c.1396del on transcript NM_024580.6 (MANE Select); coding-DNA position 1396, one base deleted (C; older notation c.1396delC).
Protein change: p.Gln466fs; shifts the reading frame from glutamine 466.
Molecular consequence: frameshift variant. On other transcripts: non-coding transcript variant (1).
Genome position (GRCh38, 1-based): chr15:82,220,126, G deleted on the plus strand (C on the coding strand, the reverse complement: EFL1 is on the minus strand); the first of 3 consecutive G bases (chr15:82,220,126-82,220,128); deleting any one gives the same sequence. VCF-style (leftmost placement, unchanged base first): chr15-82220125-TG-T. GRCh37 (hg19) VCF-style: chr15-82512466-TG-T.
Other names: c.1243del, p.Gln415fs (NM_001040610.3); c.607del, p.Gln203fs (NM_001322844.2); c.1396del, p.Gln466fs (NM_001322845.2); short protein forms Q203fs, Q415fs, Q466fs.
Identifiers: ClinVar variation 4070817 (VCV004070817.2).
Genomic context (GRCh38, chr15:82,220,125, plus strand): 5'-AGGAAAGCTATACCTCTTGGCTCCTCTCCTTTTGGACATGTTTCAATGGCACTCCCATCT[TG>T]GGTGGGCTCCAAGGGTGCCTGTCCCTGTGCTGCTGCAAGCTTCTCTGCATGCCTTTGTCT-3'